The following is an entry in ClinVar:

ClinVar aggregate classification (germline): Uncertain significance (1 of 4 stars; one submission).

Allele frequency attached by ClinVar (database versions not stated): TOPMed 0.00001.
gnomAD v4.1: 8 of 1,285,054 alleles (0.00062%); highest among the groups gnomAD compares: South Asian, 0.0024%; no homozygotes.

Submission:

Labcorp Genetics (formerly Invitae), Labcorp
Classification: Uncertain significance. Last evaluated: 2023-04-20. Review status: criteria provided, single submitter. Criteria: Invitae Variant Classification Sherloc (09022015). Collection method: clinical testing. Allele origin: germline.
Comment: In summary, the available evidence is currently insufficient to determine the role of this variant in disease. Therefore, it has been classified as a Variant of Uncertain Significance. Algorithms developed to predict the effect of missense changes on protein structure and function output the following: SIFT: "Not Available"; PolyPhen-2: "Benign"; Align-GVGD: "Not Available". The threonine amino acid residue is found in multiple mammalian species, which suggests that this missense change does not adversely affect protein function. This variant has not been reported in the literature in individuals affected with IL12RB2-related conditions. This variant is not present in population databases (gnomAD no frequency). This sequence change replaces alanine, which is neutral and non-polar, with threonine, which is neutral and polar, at codon 675 of the IL12RB2 protein (p.Ala675Thr).

NM_001374259.2(IL12RB2):c.2023G>A (p.Ala675Thr)

Gene: IL12RB2 (interleukin 12 receptor subunit beta 2; plus strand). Cytogenetic location: 1p31.3.
Variant type: single nucleotide variant.
Coding change: c.2023G>A on transcript NM_001374259.2 (MANE Select); coding-DNA position 2023, G replaced by A.
Protein change: p.Ala675Thr; replaces alanine 675 with threonine.
Molecular consequence: missense variant. On other transcripts: non-coding transcript variant (2), intron variant (3).
Genome position (GRCh38, 1-based): chr1:67,390,105, G>A. VCF-style: chr1-67390105-G-A. GRCh37 (hg19) VCF-style: chr1-67855788-G-A.
Other names: c.1765G>A, p.Ala589Thr (NM_001258215.1); c.2023G>A, p.Ala675Thr (NM_001559.3); c.1946+3436G>A (NM_001258214.1, NM_001319233.1); c.1856-5442G>A (NM_001258216.1); short protein forms A589T, A675T.
Identifiers: ClinVar variation 2878620 (VCV002878620.3), dbSNP rs766550956, ClinGen allele CA23491820.
Genomic context (GRCh38, chr1:67,390,105, plus strand): 5'-GCAGCCCTCAGACCTCAGTGGTGTAGCAGAGAAATTCCAGATCCAGCAAATAGCACTTGC[G>A]CTAAGAAATATCCCATTGCAGAGGTAAGGTACAATTCCTCTGTGGTCAGTCAGTGGAGTT-3'
Protein context (NP_001361188.1, residues 665-685): EIPDPANSTC[Ala675Thr]KKYPIAEEKT